The following is an entry in ClinVar:

ClinVar aggregate classification (germline): Uncertain significance. Review status: criteria provided, multiple submitters, no conflicts (2 of 4 stars). 3 submissions from 3 submitters: Uncertain significance (3). Last evaluated 2025-06-23.

Conditions:
Hereditary nonpolyposis colorectal neoplasms. Identifiers: MedGen C0009405, MeSH D003123.
Hereditary cancer-predisposing syndrome. Also called: Neoplastic Syndromes, Hereditary; Tumor predisposition; Hereditary neoplastic syndrome; Hereditary Cancer Syndrome. Identifiers: Orphanet 140162, MedGen C0027672, MeSH D009386, MONDO:0015356.

Allele frequency attached by ClinVar (database versions not stated): gnomAD exomes below 0.00001; gnomAD 0.00001.
gnomAD v4.1: 2 of 1,599,220 alleles (0.00013%); highest among the groups gnomAD compares: Non-Finnish European, 0.00017%; no homozygotes.

Submissions (3):

Ambry Genetics
Classification: Uncertain significance for Hereditary cancer-predisposing syndrome. Last evaluated: 2025-06-23. Review status: criteria provided, single submitter. Criteria: Ambry Variant Classification Scheme 2023. Collection method: clinical testing. Allele origin: germline.
Comment: The p.D64E variant (also known as c.192T>G), located in coding exon 3 of the PMS2 gene, results from a T to G substitution at nucleotide position 192. The aspartic acid at codon 64 is replaced by glutamic acid, an amino acid with highly similar properties. This amino acid position is conserved. In addition, this alteration is predicted to be tolerated by in silico analysis. Based on the available evidence, the clinical significance of this variant remains unclear.

Color Diagnostics, LLC DBA Color Health
Classification: Uncertain significance for Hereditary cancer-predisposing syndrome. Last evaluated: 2025-05-28. Review status: criteria provided, single submitter. Criteria: ACMG Guidelines, 2015. Collection method: clinical testing. Allele origin: germline.
Comment: This missense variant replaces aspartic acid with glutamic acid at codon 64 of the PMS2 protein. Computational prediction suggests that this variant may not impact protein structure and function. To our knowledge, functional studies have not been reported for this variant. This variant has not been reported in individuals affected with PMS2-related disorders in the literature. This variant has been identified in 1/250630 chromosomes in the general population by the Genome Aggregation Database (gnomAD). The available evidence is insufficient to determine the role of this variant in disease conclusively. Therefore, this variant is classified as a Variant of Uncertain Significance.

Labcorp Genetics (formerly Invitae), Labcorp
Classification: Uncertain significance for Hereditary nonpolyposis colorectal neoplasms. Last evaluated: 2024-04-30. Review status: criteria provided, single submitter. Criteria: Invitae Variant Classification Sherloc (09022015). Collection method: clinical testing. Allele origin: germline.
Comment: This sequence change replaces aspartic acid, which is acidic and polar, with glutamic acid, which is acidic and polar, at codon 64 of the PMS2 protein (p.Asp64Glu). This variant is present in population databases (no rsID available, gnomAD 0.0009%). This variant has not been reported in the literature in individuals affected with PMS2-related conditions. ClinVar contains an entry for this variant (Variation ID: 1389918). Advanced modeling of protein sequence and biophysical properties (such as structural, functional, and spatial information, amino acid conservation, physicochemical variation, residue mobility, and thermodynamic stability) performed at Invitae indicates that this missense variant is not expected to disrupt PMS2 protein function with a negative predictive value of 80%. In summary, the available evidence is currently insufficient to determine the role of this variant in disease. Therefore, it has been classified as a Variant of Uncertain Significance.

NM_000535.7(PMS2):c.192T>G (p.Asp64Glu)

Gene: PMS2 (PMS1 homolog 2, mismatch repair system component; minus strand). Cytogenetic location: 7p22.1.
Variant type: single nucleotide variant.
Coding change: c.192T>G on transcript NM_000535.7 (MANE Select); coding-DNA position 192, T replaced by G.
Protein change: p.Asp64Glu; replaces aspartic acid 64 with glutamic acid.
Molecular consequence: missense variant. On other transcripts: 5 prime UTR variant (11), non-coding transcript variant (1).
Genome position (GRCh38, 1-based): chr7:6,004,030, A>C on the plus strand (T>G on the coding strand, the complement: PMS2 is on the minus strand). VCF-style: chr7-6004030-A-C. GRCh37 (hg19) VCF-style: chr7-6043661-A-C.
Other names: c.192T>G (NM_000535.5); c.-214T>G (NM_001322003.2, NM_001322004.2, NM_001322005.2 and 3 more transcripts); c.192T>G, p.Asp64Glu (NM_001322006.2, NM_001322014.2); c.-24T>G (NM_001322007.2, NM_001322008.2); c.-693T>G (NM_001322011.2, NM_001322012.2); c.-293T>G (NM_001322015.2); short protein forms D64E.
Identifiers: ClinVar variation 1389918 (VCV001389918.9), dbSNP rs1258284726, ClinGen allele CA366744879.
Genomic context (GRCh38, chr7:6,004,030, plus strand): 5'-ACTTAAGCCTTCGAAGTTTTCTTCTTCTACCCCACATCCATTGTCTGAAACTTCAATAAG[A>C]TCCACTCCATAGTCCTTAAGCTTTAGATCTAGAAAGTTTAAAATATTTACATATTTATTA-3'
Protein context (NP_000526.2, residues 54-74): IDLKLKDYGV[Asp64Glu]LIEVSDNGCG